The following is an entry in ClinVar:

ClinVar aggregate classification (germline): Uncertain significance (1 of 4 stars; one submission).

Conditions:
Pitt-Hopkins-like syndrome 2 (PTHSL2). Identifiers: Orphanet 221150, Orphanet 600663, MedGen C3280479, MONDO:0013690, OMIM 614325.

Allele frequency attached by ClinVar (database versions not stated): gnomAD exomes below 0.00001; ExAC 0.00001.
gnomAD v4.1: 3 of 1,613,014 alleles (0.00019%); highest among the groups gnomAD compares: Non-Finnish European, 0.00017%; no homozygotes.

Submission:

Labcorp Genetics (formerly Invitae), Labcorp
Classification: Uncertain significance for Pitt-Hopkins-like syndrome 2. Last evaluated: 2022-07-26. Review status: criteria provided, single submitter. Criteria: Invitae Variant Classification Sherloc (09022015). Collection method: clinical testing. Allele origin: germline.
Comment: This sequence change replaces valine, which is neutral and non-polar, with aspartic acid, which is acidic and polar, at codon 855 of the NRXN1 protein (p.Val855Asp). This variant is present in population databases (rs772262679, gnomAD 0.0009%). This variant has not been reported in the literature in individuals affected with NRXN1-related conditions. ClinVar contains an entry for this variant (Variation ID: 1400781). Algorithms developed to predict the effect of missense changes on protein structure and function are either unavailable or do not agree on the potential impact of this missense change (SIFT: "Deleterious"; PolyPhen-2: "Benign"; Align-GVGD: "Class C0"). In summary, the available evidence is currently insufficient to determine the role of this variant in disease. Therefore, it has been classified as a Variant of Uncertain Significance.

NM_001330078.2(NRXN1):c.2444T>A (p.Val815Asp)

Gene: NRXN1 (neurexin 1; minus strand). Cytogenetic location: 2p16.3.
Variant type: single nucleotide variant.
Coding change: c.2444T>A on transcript NM_001330078.2 (MANE Select); coding-DNA position 2444, T replaced by A.
Protein change: p.Val815Asp; replaces valine 815 with aspartic acid.
Molecular consequence: missense variant.
Genome position (GRCh38, 1-based): chr2:50,506,548, A>T on the plus strand (T>A on the coding strand, the complement: NRXN1 is on the minus strand). VCF-style: chr2-50506548-A-T. GRCh37 (hg19) VCF-style: chr2-50733686-A-T.
Other names: c.2378T>A, p.Val793Asp (NM_001330083.2, NM_001330084.2); c.2417T>A, p.Val806Asp (NM_001330085.2); c.2444T>A, p.Val815Asp (NM_001330086.2, NM_004801.6); c.2333T>A, p.Val778Asp (NM_001330087.2, NM_001330096.2); c.2363T>A, p.Val788Asp (NM_001330088.2); c.2441T>A, p.Val814Asp (NM_001330093.2); c.2432T>A, p.Val811Asp (NM_001330094.2); c.2393T>A, p.Val798Asp (NM_001330095.2); and 2 more; short protein forms V798D, V807D, V815D, V778D, V806D, V811D, V814D, V788D.
Identifiers: ClinVar variation 1400781 (VCV001400781.9), dbSNP rs772262679, ClinGen allele CA1654819.
Genomic context (GRCh38, chr2:50,506,548, plus strand): 5'-TGTTTACCTGTCATGGCCTGTTGGTCATCCACTGTTAACTTTAAACTTTTTCCACGCCGA[A>T]CTACACGCACTGTGTGCCACTCGTTATCATTGAGGTTATAGCCAGCAAAAAGAGTCTCGG-3'
Protein context (NP_001317007.1, residues 805-825): NDNEWHTVRV[Val815Asp]RRGKSLKLTV